The following is an entry in ClinVar:

ClinVar aggregate classification (germline): Uncertain significance. Review status: criteria provided, multiple submitters, no conflicts (2 of 4 stars). 4 submissions from 3 submitters: Uncertain significance (4). Last evaluated 2022-03-15.

Conditions:
Developmental and epileptic encephalopathy, 14 (DEE14). Also called: Early infantile epileptic encephalopathy 14. Identifiers: Orphanet 293181, MedGen C3554195, MONDO:0013989, OMIM 614959.
Autosomal dominant nocturnal frontal lobe epilepsy 5. Also called: KCNT1-Related Epilepsy; Epilepsy, nocturnal frontal lobe, 5; CILIARY DYSKINESIA, PRIMARY, 28, WITHOUT SITUS INVERSUS; CILIARY DYSKINESIA, PRIMARY, 28, WITH SITUS INVERSUS. Identifiers: Orphanet 98784, MedGen C3554306, MONDO:0014002, OMIM 615005.

Allele frequency attached by ClinVar (database versions not stated): gnomAD exomes below 0.00001; ExAC 0.00001; TOPMed 0.00002; gnomAD 0.00003.

Submissions (4):

Genome-Nilou Lab
Classification: Uncertain significance for Developmental and epileptic encephalopathy, 14. Last evaluated: 2022-03-15. Review status: criteria provided, single submitter. Criteria: ACMG Guidelines, 2015. Collection method: clinical testing. Allele origin: germline. Affected: no.

Genome-Nilou Lab
Classification: Uncertain significance for Autosomal dominant nocturnal frontal lobe epilepsy 5. Last evaluated: 2022-03-15. Review status: criteria provided, single submitter. Criteria: ACMG Guidelines, 2015. Collection method: clinical testing. Allele origin: germline. Affected: no.

Labcorp Genetics (formerly Invitae), Labcorp
Classification: Uncertain significance for Autosomal dominant nocturnal frontal lobe epilepsy 5; Developmental and epileptic encephalopathy, 14. Last evaluated: 2017-07-06. Review status: criteria provided, single submitter. Criteria: Invitae Variant Classification Sherloc (09022015). Collection method: clinical testing. Allele origin: germline.
Comment: This variant has not been reported in the literature in individuals with KCNT1-related disease. ClinVar contains an entry for this variant (Variation ID: 290007). In summary, the available evidence is currently insufficient to determine the role of this variant in disease. Therefore, it has been classified as a Variant of Uncertain Significance. Algorithms developed to predict the effect of missense changes on protein structure and function do not agree on the potential impact of this missense change (SIFT: "Deleterious"; PolyPhen-2: "Benign"; Align-GVGD: "Class C0"). This variant is present in population databases (rs776559951, ExAC 0.01%). This sequence change replaces alanine with valine at codon 259 of the KCNT1 protein (p.Ala259Val). The alanine residue is highly conserved and there is a small physicochemical difference between alanine and valine.

Eurofins Ntd Llc (ga)
Classification: Uncertain significance. Last evaluated: 2016-08-24. Review status: criteria provided, single submitter. Criteria: EGL Classification Definitions 2015. Collection method: clinical testing. Allele origin: germline. Observed: 1 variant allele, 1 heterozygote.

NM_020822.3(KCNT1):c.776C>T (p.Ala259Val)

Gene: KCNT1 (potassium sodium-activated channel subfamily T member 1; plus strand). Cytogenetic location: 9q34.3.
Variant type: single nucleotide variant.
Coding change: c.776C>T on transcript NM_020822.3 (MANE Select); coding-DNA position 776, C replaced by T.
Protein change: p.Ala259Val; replaces alanine 259 with valine.
Molecular consequence: missense variant.
Genome position (GRCh38, 1-based): chr9:135,758,430, C>T. VCF-style: chr9-135758430-C-T. GRCh37 (hg19) VCF-style: chr9-138650276-C-T.
Other names: c.632C>T, p.Ala211Val (NM_001272003.2); short protein forms A259V, A211V.
Identifiers: ClinVar variation 290007 (VCV000290007.13), dbSNP rs776559951, ClinGen allele CA5326653.